The following is an entry in ClinVar:

ClinVar aggregate classification (germline): Uncertain significance (1 of 4 stars; one submission).

gnomAD v4.1: 1 of 1,608,606 alleles (0.000062%); highest among the groups gnomAD compares: Non-Finnish European, 0.000085%; no homozygotes.

Submission:

Labcorp Genetics (formerly Invitae), Labcorp
Classification: Uncertain significance. Last evaluated: 2024-10-28. Review status: criteria provided, single submitter. Criteria: Invitae Variant Classification Sherloc (09022015). Collection method: clinical testing. Allele origin: germline.
Comment: This sequence change falls in intron 13 of the DHX38 gene. It does not directly change the encoded amino acid sequence of the DHX38 protein. It affects a nucleotide within the consensus splice site. This variant is not present in population databases (gnomAD no frequency). This variant has not been reported in the literature in individuals affected with DHX38-related conditions. ClinVar contains an entry for this variant (Variation ID: 1407002). Variants that disrupt the consensus splice site are a relatively common cause of aberrant splicing (PMID: 17576681, 9536098). Algorithms developed to predict the effect of sequence changes on RNA splicing suggest that this variant may disrupt the consensus splice site. In summary, the available evidence is currently insufficient to determine the role of this variant in disease. Therefore, it has been classified as a Variant of Uncertain Significance.

Literature cited by the submitters: PubMed 17576681; PubMed 9536098.

NM_014003.4(DHX38):c.1824+5G>A

Gene: DHX38 (DEAH-box helicase 38; plus strand). Cytogenetic location: 16q22.2.
Variant type: single nucleotide variant.
Coding change: c.1824+5G>A on transcript NM_014003.4 (MANE Select); 5 bases into the intron after coding-DNA position 1824, G replaced by A.
Molecular consequence: intron variant.
Genome position (GRCh38, 1-based): chr16:72,103,793, G>A. VCF-style: chr16-72103793-G-A. GRCh37 (hg19) VCF-style: chr16-72137692-G-A.
Identifiers: ClinVar variation 1407002 (VCV001407002.6), dbSNP rs2144154803, ClinGen allele CA2573152678.